The following is an entry in ClinVar:

ClinVar aggregate classification (germline): Likely pathogenic (1 of 4 stars; one submission).

Conditions:
Marfan syndrome (MFS). Also called: MARFAN SYNDROME, TYPE I; Marfan syndrome type 1; Marfan's syndrome; Marfan syndrome, classic; FBN1-Related Marfan Syndrome. Identifiers: Orphanet 284963, Orphanet 558, MedGen C0024796, MONDO:0007947, OMIM 154700.

Submission:

3billion
Classification: Likely pathogenic for Marfan syndrome. Last evaluated: 2024-08-06. Review status: criteria provided, single submitter. Criteria: ACMG Guidelines, 2015. Collection method: clinical testing. Allele origin: germline. Affected: yes.
Comment: The variant is observed at an extremely low frequency in the gnomAD v4.0.0 dataset (total allele frequency: <0.001%). Predicted Consequence/Location: Missense variant In silico tool predictions suggest damaging effect of the variant on gene or gene product [REVEL: 0.98 (>=0.6, sensitivity 0.68 and specificity 0.92); 3Cnet: 0.99 (>=0.6, sensitivity 0.72 and precision 0.9)]. The different nucleotide change resulting in the same amino acid change has been previously reported as pathogenic/likely pathogenic with strong evidence (ClinVar ID: VCV000042360 /PMID: 19293843). Different missense changes at the same codon (p.Cys1456Arg, p.Cys1456Gly, p.Cys1456Phe, p.Cys1456Tyr) have been reported as pathogenic/likely pathogenic with strong evidence (ClinVar ID: VCV000042357, VCV000406329, VCV000982320, VCV001740052 /PMID: 31098894). Therefore, this variant is classified as Likely pathogenic according to the recommendation of ACMG/AMP guideline.

Literature cited by the submitters: PubMed 19293843; PubMed 31098894.

NM_000138.5(FBN1):c.4366T>A (p.Cys1456Ser)

Gene: FBN1 (fibrillin 1; minus strand). Cytogenetic location: 15q21.1.
Variant type: single nucleotide variant.
Coding change: c.4366T>A on transcript NM_000138.5 (MANE Select); coding-DNA position 4366, T replaced by A.
Protein change: p.Cys1456Ser; replaces cysteine 1456 with serine.
Molecular consequence: missense variant.
Genome position (GRCh38, 1-based): chr15:48,470,727, A>T on the plus strand (T>A on the coding strand, the complement: FBN1 is on the minus strand). VCF-style: chr15-48470727-A-T. GRCh37 (hg19) VCF-style: chr15-48762924-A-T.
Other names: c.4366T>A, p.Cys1456Ser (NM_001406716.1); short protein forms C1456S.
Identifiers: ClinVar variation 4293036 (VCV004293036.1).